The following is an entry in ClinVar:

ClinVar aggregate classification (germline): Uncertain significance (1 of 4 stars; one submission).

Conditions:
Adenylosuccinate lyase deficiency (ADSLD). Also called: ADSL DEFICIENCY. Identifiers: Orphanet 46, MedGen C0268126, MONDO:0007068, OMIM 103050.

Allele frequency attached by ClinVar (database versions not stated): gnomAD exomes below 0.00001; TOPMed 0.00001; gnomAD 0.00002.
gnomAD v4.1: 4 of 1,614,084 alleles (0.00025%); highest among the groups gnomAD compares: African/African-American, 0.0053%; no homozygotes.

Submission:

Labcorp Genetics (formerly Invitae), Labcorp
Classification: Uncertain significance for Adenylosuccinate lyase deficiency. Last evaluated: 2021-09-01. Review status: criteria provided, single submitter. Criteria: Invitae Variant Classification Sherloc (09022015). Collection method: clinical testing. Allele origin: germline.
Comment: This sequence change replaces valine with leucine at codon 88 of the ADSL protein (p.Val88Leu). The valine residue is highly conserved and there is a small physicochemical difference between valine and leucine. This variant is not present in population databases (ExAC no frequency). This variant has not been reported in the literature in individuals affected with ADSL-related conditions. Advanced modeling of protein sequence and biophysical properties (such as structural, functional, and spatial information, amino acid conservation, physicochemical variation, residue mobility, and thermodynamic stability) performed at Invitae indicates that this missense variant is expected to disrupt ADSL protein function. In summary, the available evidence is currently insufficient to determine the role of this variant in disease. Therefore, it has been classified as a Variant of Uncertain Significance.

NM_000026.4(ADSL):c.262G>T (p.Val88Leu)

Gene: ADSL (adenylosuccinate lyase; plus strand). Cytogenetic location: 22q13.1.
Variant type: single nucleotide variant.
Coding change: c.262G>T on transcript NM_000026.4 (MANE Select); coding-DNA position 262, G replaced by T.
Protein change: p.Val88Leu; replaces valine 88 with leucine.
Molecular consequence: missense variant. On other transcripts: non-coding transcript variant (1).
Genome position (GRCh38, 1-based): chr22:40,349,940, G>T. VCF-style: chr22-40349940-G-T. GRCh37 (hg19) VCF-style: chr22-40745944-G-T.
Other names: c.262G>T, p.Val88Leu (NM_001123378.3, NM_001363840.3); c.70G>T, p.Val24Leu (NM_001317923.2); short protein forms V24L, V88L.
Identifiers: ClinVar variation 1058430 (VCV001058430.6), dbSNP rs1329100297, ClinGen allele CA411634853.
Genomic context (GRCh38, chr22:40,349,940, plus strand): 5'-AACCTGGAGAACATCGACTTCAAGATGGCAGCTGAGGAAGAGAAACGTTTACGACATGAT[G>T]TGATGGCTCACGTGCACACATTTGGCCACTGCTGTCCAAAAGCTGCAGGCATTATTCACC-3'
Protein context (NP_000017.1, residues 78-98): AEEEKRLRHD[Val88Leu]MAHVHTFGHC